The following is an entry in ClinVar:

NM_002661.5(PLCG2):c.1586G>T (p.Gly529Val)

Gene: PLCG2 (phospholipase C gamma 2; plus strand). Cytogenetic location: 16q23.3.
Variant type: single nucleotide variant.
Coding change: c.1586G>T on transcript NM_002661.5 (MANE Select); coding-DNA position 1586, G replaced by T.
Protein change: p.Gly529Val; replaces glycine 529 with valine.
Molecular consequence: missense variant.
Genome position (GRCh38, 1-based): chr16:81,908,444, G>T. VCF-style: chr16-81908444-G-T. GRCh37 (hg19) VCF-style: chr16-81942049-G-T.
Other names: c.1586G>T (NM_002661.3); short protein forms G529V.
Identifiers: ClinVar variation 1175890 (VCV001175890.41), dbSNP rs1013382788, ClinGen allele CA396900103.

ClinVar aggregate classification (germline): Uncertain significance. Review status: criteria provided, multiple submitters, no conflicts (2 of 4 stars). 3 submissions from 3 submitters: Uncertain significance (3). Last evaluated 2023-12-21.

Conditions:
Inborn genetic diseases. Identifiers: MedGen C0950123, MeSH D030342.
Familial cold autoinflammatory syndrome 3 (FCAS3). Also called: FAMILIAL ATYPICAL COLD URTICARIA; ANTIBODY DEFICIENCY AND IMMUNE DYSREGULATION, PLCG2-ASSOCIATED. Identifiers: Orphanet 300359, MedGen C3280914, MONDO:0013766, OMIM 614468.

Allele frequency attached by ClinVar (database versions not stated): gnomAD exomes 0.00001.
gnomAD v4.1: 8 of 1,614,104 alleles (0.0005%); highest among the groups gnomAD compares: Non-Finnish European, 0.00068%; no homozygotes.

Submissions (3):

Labcorp Genetics (formerly Invitae), Labcorp
Classification: Uncertain significance for Familial cold autoinflammatory syndrome 3. Last evaluated: 2023-12-21. Review status: criteria provided, single submitter. Criteria: Invitae Variant Classification Sherloc (09022015). Collection method: clinical testing. Allele origin: germline.
Comment: This sequence change replaces glycine, which is neutral and non-polar, with valine, which is neutral and non-polar, at codon 529 of the PLCG2 protein (p.Gly529Val). This variant is not present in population databases (gnomAD no frequency). This variant has not been reported in the literature in individuals affected with PLCG2-related conditions. ClinVar contains an entry for this variant (Variation ID: 1175890). An algorithm developed to predict the effect of missense changes on protein structure and function (PolyPhen-2) suggests that this variant is likely to be tolerated. In summary, the available evidence is currently insufficient to determine the role of this variant in disease. Therefore, it has been classified as a Variant of Uncertain Significance.

Ambry Genetics
Classification: Uncertain significance for Inborn genetic diseases. Last evaluated: 2022-04-07. Review status: criteria provided, single submitter. Criteria: Ambry Variant Classification Scheme 2023. Collection method: clinical testing. Allele origin: germline.

CeGaT Center for Human Genetics Tuebingen
Classification: Uncertain significance. Last evaluated: 2021-03-01. Review status: criteria provided, single submitter. Criteria: CeGaT Center For Human Genetics Tuebingen Variant Classification Criteria Version 2. Collection method: clinical testing. Allele origin: germline. Affected: yes. Observed: 1 variant allele.